The following is an entry in ClinVar:

NM_001080467.3(MYO5B):c.4776G>C (p.Gln1592His)

Genes: MYO5B (myosin VB; minus strand), SNHG22 (small nucleolar RNA host gene 22; plus strand). Cytogenetic location: 18q21.1.
Variant type: single nucleotide variant.
Coding change: c.4776G>C on transcript NM_001080467.3 (MANE Select); coding-DNA position 4776, G replaced by C.
Protein change: p.Gln1592His; replaces glutamine 1592 with histidine.
Molecular consequence: missense variant.
Genome position (GRCh38, 1-based): chr18:49,839,220, C>G on the plus strand (G>C on the coding strand, the complement: MYO5B is on the minus strand). VCF-style: chr18-49839220-C-G. GRCh37 (hg19) VCF-style: chr18-47365590-C-G.
Other names: short protein forms Q1592H.
Identifiers: ClinVar variation 2121347 (VCV002121347.4), dbSNP rs548299677, ClinGen allele CA8960226.

ClinVar aggregate classification (germline): Uncertain significance (1 of 4 stars; one submission).

Allele frequency attached by ClinVar (database versions not stated): ExAC 0.00001; gnomAD 0.00001; 1000 Genomes Project 30x 0.00016; 1000 Genomes Project 0.00020.
gnomAD v4.1: 1 of 1,614,200 alleles (0.000062%); highest among the groups gnomAD compares: East Asian, 0.0022%; no homozygotes.

Submission:

Labcorp Genetics (formerly Invitae), Labcorp
Classification: Uncertain significance. Last evaluated: 2022-04-04. Review status: criteria provided, single submitter. Criteria: Invitae Variant Classification Sherloc (09022015). Collection method: clinical testing. Allele origin: germline.
Comment: In summary, the available evidence is currently insufficient to determine the role of this variant in disease. Therefore, it has been classified as a Variant of Uncertain Significance. Algorithms developed to predict the effect of missense changes on protein structure and function are either unavailable or do not agree on the potential impact of this missense change (SIFT: "Deleterious"; PolyPhen-2: "Benign"; Align-GVGD: "Class C0"). This variant has not been reported in the literature in individuals affected with MYO5B-related conditions. This variant is present in population databases (rs548299677, gnomAD 0.006%). This sequence change replaces glutamine, which is neutral and polar, with histidine, which is basic and polar, at codon 1592 of the MYO5B protein (p.Gln1592His).